The following is an entry in ClinVar:

NM_000169.3(GLA):c.640-859C>T

Genes: GLA (galactosidase alpha; minus strand), RPL36A-HNRNPH2 (RPL36A-HNRNPH2 readthrough; plus strand). Cytogenetic location: Xq22.1.
Variant type: single nucleotide variant.
Coding change: c.640-859C>T on transcript NM_000169.3 (MANE Select); 859 bases into the intron before coding-DNA position 640, C replaced by T.
Molecular consequence: intron variant.
Genome position (GRCh38, 1-based): chrX:101,399,805, G>A on the plus strand (C>T on the coding strand, the complement: GLA is on the minus strand). VCF-style: chrX-101399805-G-A. GRCh37 (hg19) VCF-style: chrX-100654793-G-A.
Other names: c.300+4348G>A (NM_001199973.2); c.177+7983G>A (NM_001199974.2); c.763-859C>T (NM_001406747.1); c.640-859C>T (NM_001406748.1).
Identifiers: ClinVar variation 2737317 (VCV002737317.5), dbSNP rs869312374, ClinGen allele CA352961.
Genomic context (GRCh38, chrX:101,399,805, plus strand): 5'-CTCTAGTGGGGAGACATGGTAACAAGTCAACAAATACTTCCAAATAGTGTGGAGCTCTGA[G>A]AAGAAAATTAAACAGGTTAATGTGATGAAGAATGAATGGACAGAGGGCTATTTTAAAGTA-3'

ClinVar aggregate classification (germline): Pathogenic/Likely pathogenic. Review status: criteria provided, multiple submitters, no conflicts (2 of 4 stars). 2 submissions from 2 submitters: Pathogenic (1); Likely pathogenic (1). Last evaluated 2026-09-08.

Conditions:
Fabry disease. Also called: Angiokeratoma corporis diffusum; Fabry's disease; ALPHA-GALACTOSIDASE A DEFICIENCY; ANDERSON-FABRY DISEASE; CERAMIDE TRIHEXOSIDASE DEFICIENCY; Ceramide trihexosidosis. Identifiers: Orphanet 324, MedGen C0002986, MONDO:0010526, OMIM 301500, HP:0001071. Disease mechanism: Fabry disease is due to inactivating mutations in the X-linked GLA gene resulting in deficiency of the enzyme Alpha Galactosidase-A., loss of function.

Submissions (2):

Genomenon, Inc
Classification: Pathogenic for Fabry disease. Last evaluated: 2026-09-08. Review status: criteria provided, single submitter. Criteria: Genomenon Sequence Variant Interpretation Standards - Updated. Collection method: curation. Allele origin: germline. Affected: yes.
Comment: GLA c.640-859C>T is an intronic variant located in intron 4. This variant has been observed in at least one proband with clinical features consistent with Fabry disease (PMID:32719972;18560446;25086909). The variant was found to segregate with disease in at least one affected family (PMID:18560446). At least one functional study has demonstrated a substantial alteration in protein function relative to the wild-type (PMID:27779620). At least one splicing study has demonstrated that this variant results in aberrant splicing (PMID:18560446;27779620). It is absent or not present at a significant frequency in gnomAD. In conclusion, we classify GLA c.640-859C>T as a pathogenic variant.

Labcorp Genetics (formerly Invitae), Labcorp
Classification: Likely pathogenic for Fabry disease. Last evaluated: 2025-09-22. Review status: criteria provided, single submitter. Criteria: Invitae Variant Classification Sherloc (09022015). Collection method: clinical testing. Allele origin: germline.
Comment: This sequence change falls in intron 4 of the GLA gene. It does not directly change the encoded amino acid sequence of the GLA protein. The frequency data for this variant in the population databases is considered unreliable, as metrics indicate insufficient coverage at this position in the gnomAD database. This variant has been observed in individual(s) with Fabry disease (PMID: 18560446, 25086909; internal data). This variant is also known as g.9273C>T. ClinVar contains an entry for this variant (Variation ID: 2737317). Studies have shown that this variant alters GLA gene expression (PMID: 18560446). Algorithms developed to predict the effect of sequence changes on RNA splicing suggest that this variant may create or strengthen a splice site. In summary, the currently available evidence indicates that the variant is pathogenic, but additional data are needed to prove that conclusively. Therefore, this variant has been classified as Likely Pathogenic.

Literature cited by the submitters: PubMed 32719972 (cited by Genomenon, Inc); PubMed 18560446 (cited by Genomenon, Inc and Labcorp Genetics (formerly Invitae), Labcorp); PubMed 25086909 (cited by Genomenon, Inc and Labcorp Genetics (formerly Invitae), Labcorp); PubMed 27779620 (cited by Genomenon, Inc).